The following is an entry in ClinVar:

ClinVar aggregate classification (germline): Uncertain significance (1 of 4 stars; one submission).

Submission:

Labcorp Genetics (formerly Invitae), Labcorp
Classification: Uncertain significance. Last evaluated: 2022-10-01. Review status: criteria provided, single submitter. Criteria: Invitae Variant Classification Sherloc (09022015). Collection method: clinical testing. Allele origin: germline.
Comment: In summary, the available evidence is currently insufficient to determine the role of this variant in disease. Therefore, it has been classified as a Variant of Uncertain Significance. Variants that disrupt the consensus splice site are a relatively common cause of aberrant splicing (PMID: 17576681, 9536098). Algorithms developed to predict the effect of sequence changes on RNA splicing suggest that this variant may disrupt the consensus splice site. This variant has not been reported in the literature in individuals affected with POLE-related conditions. This variant is not present in population databases (gnomAD no frequency). This sequence change falls in intron 8 of the POLE gene. It does not directly change the encoded amino acid sequence of the POLE protein. It affects a nucleotide within the consensus splice site.

Literature cited by the submitters: PubMed 17576681; PubMed 9536098.

NM_006231.4(POLE):c.801+5G>A

Gene: POLE (DNA polymerase epsilon, catalytic subunit; minus strand). Cytogenetic location: 12q24.33.
Variant type: single nucleotide variant.
Coding change: c.801+5G>A on transcript NM_006231.4 (MANE Select); 5 bases into the intron after coding-DNA position 801, G replaced by A.
Molecular consequence: intron variant.
Genome position (GRCh38, 1-based): chr12:132,677,358, C>T on the plus strand (G>A on the coding strand, the complement: POLE is on the minus strand). VCF-style: chr12-132677358-C-T. GRCh37 (hg19) VCF-style: chr12-133253944-C-T.
Identifiers: ClinVar variation 2030129 (VCV002030129.4), dbSNP rs2542176276, ClinGen allele CA2580086174.